The following is an entry in ClinVar:

NM_001613.4(ACTA2):c.1109C>A (p.Ser370Tyr)

Genes: ACTA2-AS1 (ACTA2 antisense RNA 1; plus strand), ACTA2 (actin alpha 2, smooth muscle; minus strand). Cytogenetic location: 10q23.31.
Variant type: single nucleotide variant.
Coding change: c.1109C>A on transcript NM_001613.4 (MANE Select); coding-DNA position 1109, C replaced by A.
Protein change: p.Ser370Tyr; replaces serine 370 with tyrosine.
Molecular consequence: missense variant. On other transcripts: non-coding transcript variant (1).
Genome position (GRCh38, 1-based): chr10:88,935,248, G>T on the plus strand (C>A on the coding strand, the complement: ACTA2 is on the minus strand). VCF-style: chr10-88935248-G-T. GRCh37 (hg19) VCF-style: chr10-90695005-G-T.
Other names: c.1109C>A, p.Ser370Tyr (NM_001141945.3, NM_001320855.2, NM_001406462.1 and 2 more transcripts); c.998C>A, p.Ser333Tyr (NM_001406466.1); c.980C>A, p.Ser327Tyr (NM_001406467.1, NM_001406468.1, NM_001406469.1); c.917C>A, p.Ser306Tyr (NM_001406471.1); short protein forms S306Y, S327Y, S370Y, S333Y.
Identifiers: ClinVar variation 2857913 (VCV002857913.3), dbSNP rs749867078, ClinGen allele CA377510370.

ClinVar aggregate classification (germline): Uncertain significance (1 of 4 stars; one submission).

Conditions:
Aortic aneurysm, familial thoracic 6 (AAT6). Also called: FAMILIAL THORACIC AORTIC ANEURYSM WITH LIVEDO RETICULARIS AND IRIS FLOCCULI. Identifiers: MedGen C2673186, MONDO:0012730, OMIM 611788.

Submission:

Labcorp Genetics (formerly Invitae), Labcorp
Classification: Uncertain significance for Aortic aneurysm, familial thoracic 6. Last evaluated: 2023-06-13. Review status: criteria provided, single submitter. Criteria: Invitae Variant Classification Sherloc (09022015). Collection method: clinical testing. Allele origin: germline.
Comment: In summary, the available evidence is currently insufficient to determine the role of this variant in disease. Therefore, it has been classified as a Variant of Uncertain Significance. Advanced modeling of protein sequence and biophysical properties (such as structural, functional, and spatial information, amino acid conservation, physicochemical variation, residue mobility, and thermodynamic stability) performed at Invitae indicates that this missense variant is not expected to disrupt ACTA2 protein function. This variant has not been reported in the literature in individuals affected with ACTA2-related conditions. This variant is not present in population databases (gnomAD no frequency). This sequence change replaces serine, which is neutral and polar, with tyrosine, which is neutral and polar, at codon 370 of the ACTA2 protein (p.Ser370Tyr).